The following is an entry in ClinVar:

NM_006978.3(RNF113A):c.562C>A (p.His188Asn)

Gene: RNF113A (ring finger protein 113A; minus strand). Cytogenetic location: Xq24.
Variant type: single nucleotide variant.
Coding change: c.562C>A on transcript NM_006978.3 (MANE Select); coding-DNA position 562, C replaced by A.
Protein change: p.His188Asn; replaces histidine 188 with asparagine.
Molecular consequence: missense variant.
Genome position (GRCh38, 1-based): chrX:119,871,052, G>T on the plus strand (C>A on the coding strand, the complement: RNF113A is on the minus strand). VCF-style: chrX-119871052-G-T. GRCh37 (hg19) VCF-style: chrX-119005015-G-T.
Other names: short protein forms H188N.
Identifiers: ClinVar variation 2662605 (VCV002662605.1), dbSNP rs2521607940, ClinGen allele CA414187972.

ClinVar aggregate classification (germline): Uncertain significance (1 of 4 stars; one submission).

Submission:

GeneDx
Classification: Uncertain significance. Last evaluated: 2023-05-17. Review status: criteria provided, single submitter. Criteria: GeneDx Variant Classification Process June 2021. Collection method: clinical testing. Allele origin: germline. Affected: yes.
Comment: Not observed at significant frequency in large population cohorts (gnomAD); In silico analysis supports that this missense variant does not alter protein structure/function; Has not been previously published as pathogenic or benign to our knowledge